The following is an entry in ClinVar:

NM_175875.5(SIX5):c.244A>G (p.Thr82Ala)

Genes: DM1-AS (DM1 locus antisense RNA; plus strand), SIX5 (SIX homeobox 5; minus strand), LOC107075317 (origin of replication in DMPK trinucleotide repeat region; plus strand), LOC129929037 (ATAC-STARR-seq lymphoblastoid silent region 10794; plus strand). Cytogenetic location: 19q13.32.
Variant type: single nucleotide variant.
Coding change: c.244A>G on transcript NM_175875.5 (MANE Select); coding-DNA position 244, A replaced by G.
Protein change: p.Thr82Ala; replaces threonine 82 with alanine.
Molecular consequence: missense variant.
Genome position (GRCh38, 1-based): chr19:45,768,601, T>C on the plus strand (A>G on the coding strand, the complement: SIX5 is on the minus strand). VCF-style: chr19-45768601-T-C. GRCh37 (hg19) VCF-style: chr19-46271859-T-C.
Other names: short protein forms T82A.
Identifiers: ClinVar variation 3686153 (VCV003686153.2).
Genomic context (GRCh38, chr19:45,768,601, plus strand): 5'-CCGCCTGGAGCAGCGCCTCGCAGACGCACGCCACCTGCTCGGGCGAGAAGCGGAGGCCCG[T>C]GGGCGGTTCGGAAGCGGCCTCGGGGGGCGACCCGGGGACGCCCGGGGATCCCGGGCCCTC-3'
Protein context (NP_787071.3, residues 72-92): SPPEAASEPP[Thr82Ala]GLRFSPEQVA

ClinVar aggregate classification (germline): Uncertain significance (1 of 4 stars; one submission).

Submission:

Labcorp Genetics (formerly Invitae), Labcorp
Classification: Uncertain significance. Last evaluated: 2024-12-03. Review status: criteria provided, single submitter. Criteria: Invitae Variant Classification Sherloc (09022015). Collection method: clinical testing. Allele origin: germline.
Comment: This sequence change replaces threonine, which is neutral and polar, with alanine, which is neutral and non-polar, at codon 82 of the SIX5 protein (p.Thr82Ala). This variant is not present in population databases (gnomAD no frequency). This variant has not been reported in the literature in individuals affected with SIX5-related conditions. Invitae Evidence Modeling of protein sequence and biophysical properties (such as structural, functional, and spatial information, amino acid conservation, physicochemical variation, residue mobility, and thermodynamic stability) indicates that this missense variant is not expected to disrupt SIX5 protein function with a negative predictive value of 80%. In summary, the available evidence is currently insufficient to determine the role of this variant in disease. Therefore, it has been classified as a Variant of Uncertain Significance.